The following is an entry in ClinVar:

NM_022089.4(ATP13A2):c.73A>G (p.Ile25Val)

Gene: ATP13A2 (ATPase cation transporting 13A2; minus strand). Cytogenetic location: 1p36.13.
Variant type: single nucleotide variant.
Coding change: c.73A>G on transcript NM_022089.4 (MANE Select); coding-DNA position 73, A replaced by G.
Protein change: p.Ile25Val; replaces isoleucine 25 with valine.
Molecular consequence: missense variant.
Genome position (GRCh38, 1-based): chr1:17,005,716, T>C on the plus strand (A>G on the coding strand, the complement: ATP13A2 is on the minus strand). VCF-style: chr1-17005716-T-C. GRCh37 (hg19) VCF-style: chr1-17332211-T-C.
Other names: c.73A>G, p.Ile25Val (NM_001141973.3, NM_001141974.3); short protein forms I25V.
Identifiers: ClinVar variation 2055613 (VCV002055613.3), dbSNP rs762253735, ClinGen allele CA637784.
Genomic context (GRCh38, chr1:17,005,716, plus strand): 5'-TTTTCCCCACCCCACTCTGCCCACTTACCACGGATGAAACTGAGGAGCTGAGGGGATCTA[T>C]TGATGTCCCTATCGTCAGGGTCCCATAACCGGTGGGCGTGCTGCCCACGAGAGGGCTGCT-3'
Protein context (NP_071372.1, residues 15-35): GYGTLTIGTS[Ile25Val]DPLSSSVSSV

ClinVar aggregate classification (germline): Uncertain significance (1 of 4 stars; one submission).

Conditions:
Autosomal recessive spastic paraplegia type 78. Identifiers: Orphanet 513436, MedGen C5567893, MONDO:0014975, OMIM 617225.
Kufor-Rakeb syndrome (KRS). Also called: PARKINSON DISEASE 9, AUTOSOMAL RECESSIVE, JUVENILE-ONSET. Identifiers: Orphanet 306674, Orphanet 314632, MedGen C1847640, MONDO:0011706, OMIM 606693.

Allele frequency attached by ClinVar (database versions not stated): gnomAD 0.00001; gnomAD exomes 0.00001; TOPMed 0.00002; ExAC 0.00003.
gnomAD v4.1: 14 of 1,613,740 alleles (0.00087%); highest among the groups gnomAD compares: East Asian, 0.0045%; no homozygotes.

Submission:

Labcorp Genetics (formerly Invitae), Labcorp
Classification: Uncertain significance for Kufor-Rakeb syndrome; Autosomal recessive spastic paraplegia type 78. Last evaluated: 2022-04-24. Review status: criteria provided, single submitter. Criteria: Invitae Variant Classification Sherloc (09022015). Collection method: clinical testing. Allele origin: germline.
Comment: In summary, the available evidence is currently insufficient to determine the role of this variant in disease. Therefore, it has been classified as a Variant of Uncertain Significance. Advanced modeling of protein sequence and biophysical properties (such as structural, functional, and spatial information, amino acid conservation, physicochemical variation, residue mobility, and thermodynamic stability) performed at Invitae indicates that this missense variant is not expected to disrupt ATP13A2 protein function. This variant has not been reported in the literature in individuals affected with ATP13A2-related conditions. This variant is present in population databases (rs762253735, gnomAD 0.006%). This sequence change replaces isoleucine, which is neutral and non-polar, with valine, which is neutral and non-polar, at codon 25 of the ATP13A2 protein (p.Ile25Val).